The following is an entry in ClinVar:

ClinVar aggregate classification (germline): Uncertain significance. Review status: criteria provided, multiple submitters, no conflicts (2 of 4 stars). 3 submissions from 3 submitters: Uncertain significance (2). 1 of the submissions does not count toward it. Last evaluated 2022-07-05.

Conditions:
Primary ciliary dyskinesia. Also called: Ciliary dyskinesia. Identifiers: Orphanet 244, MedGen C0008780, MONDO:0016575, HP:0012265.

Allele frequency attached by ClinVar (database versions not stated): TOPMed below 0.00001; gnomAD 0.00001; gnomAD exomes 0.00001; ExAC 0.00002.
gnomAD v4.1: 11 of 1,613,978 alleles (0.00068%); highest among the groups gnomAD compares: East Asian, 0.0022%; no homozygotes.

Submissions (3):

Labcorp Genetics (formerly Invitae), Labcorp
Classification: Uncertain significance for Primary ciliary dyskinesia. Last evaluated: 2022-07-05. Review status: criteria provided, single submitter. Criteria: Invitae Variant Classification Sherloc (09022015). Collection method: clinical testing. Allele origin: germline.
Comment: This sequence change replaces glutamic acid, which is acidic and polar, with lysine, which is basic and polar, at codon 3793 of the DNAH5 protein (p.Glu3793Lys). This variant is present in population databases (rs751996726, gnomAD 0.0009%). This variant has not been reported in the literature in individuals affected with DNAH5-related conditions. ClinVar contains an entry for this variant (Variation ID: 568220). Advanced modeling of protein sequence and biophysical properties (such as structural, functional, and spatial information, amino acid conservation, physicochemical variation, residue mobility, and thermodynamic stability) performed at Invitae indicates that this missense variant is not expected to disrupt DNAH5 protein function. In summary, the available evidence is currently insufficient to determine the role of this variant in disease. Therefore, it has been classified as a Variant of Uncertain Significance.

Blueprint Genetics
Classification: Uncertain significance. Last evaluated: 2021-05-19. Review status: criteria provided, single submitter. Criteria: ACMG Guidelines, 2015. Collection method: clinical testing. Allele origin: germline.

Natera, Inc.
Classification: Uncertain significance for Primary ciliary dyskinesia. Last evaluated: 2020-11-02. Review status: no assertion criteria provided. Collection method: clinical testing. Allele origin: germline. Not counted in ClinVar's aggregate classification.

NM_001369.3(DNAH5):c.11377G>A (p.Glu3793Lys)

Gene: DNAH5 (dynein axonemal heavy chain 5; minus strand). Cytogenetic location: 5p15.2.
Variant type: single nucleotide variant.
Coding change: c.11377G>A on transcript NM_001369.3 (MANE Select); coding-DNA position 11377, G replaced by A.
Protein change: p.Glu3793Lys; replaces glutamic acid 3793 with lysine.
Molecular consequence: missense variant.
Genome position (GRCh38, 1-based): chr5:13,737,330, C>T on the plus strand (G>A on the coding strand, the complement: DNAH5 is on the minus strand). VCF-style: chr5-13737330-C-T. GRCh37 (hg19) VCF-style: chr5-13737439-C-T.
Other names: short protein forms E3793K.
Identifiers: ClinVar variation 568220 (VCV000568220.8), dbSNP rs751996726, ClinGen allele CA3201987.